The following is an entry in ClinVar:

NM_015425.6(POLR1A):c.1585G>A (p.Ala529Thr)

Gene: POLR1A (RNA polymerase I subunit A; minus strand). Cytogenetic location: 2p11.2.
Variant type: single nucleotide variant.
Coding change: c.1585G>A on transcript NM_015425.6 (MANE Select); coding-DNA position 1585, G replaced by A.
Protein change: p.Ala529Thr; replaces alanine 529 with threonine.
Molecular consequence: missense variant.
Genome position (GRCh38, 1-based): chr2:86,075,056, C>T on the plus strand (G>A on the coding strand, the complement: POLR1A is on the minus strand). VCF-style: chr2-86075056-C-T. GRCh37 (hg19) VCF-style: chr2-86302179-C-T.
Other names: c.1585G>A (NM_015425.3); short protein forms A529T.
Identifiers: ClinVar variation 3712227 (VCV003712227.3).
Genomic context (GRCh38, chr2:86,075,056, plus strand): 5'-GGATGGGTCCCTGACCAAAGCTGCCCTTACTCACAATTTTTGTCCCCTGGGGCTTAGGTG[C>T]CCCCGTGGCTGGGGTCAGAAGCTGCTTGGCCACGGCCTCTCGCTGGGTCATGTCCACAGC-3'
Protein context (NP_056240.2, residues 519-539): AKQLLTPATG[Ala529Thr]PKPQGTKIVC

ClinVar aggregate classification (germline): Uncertain significance. Review status: criteria provided, multiple submitters, no conflicts (2 of 4 stars). 2 submissions from 2 submitters: Uncertain significance (2). Last evaluated 2025-06-10.

Conditions:
Inborn genetic diseases. Identifiers: MedGen C0950123, MeSH D030342.

Submissions (2):

Ambry Genetics
Classification: Uncertain significance for Inborn genetic diseases. Last evaluated: 2025-06-10. Review status: criteria provided, single submitter. Criteria: Ambry Variant Classification Scheme 2023. Collection method: clinical testing. Allele origin: germline.

Labcorp Genetics (formerly Invitae), Labcorp
Classification: Uncertain significance. Last evaluated: 2024-07-21. Review status: criteria provided, single submitter. Criteria: Invitae Variant Classification Sherloc (09022015). Collection method: clinical testing. Allele origin: germline.
Comment: This sequence change replaces alanine, which is neutral and non-polar, with threonine, which is neutral and polar, at codon 529 of the POLR1A protein (p.Ala529Thr). This variant is present in population databases (rs752514810, gnomAD 0.0009%). This variant has not been reported in the literature in individuals affected with POLR1A-related conditions. An algorithm developed to predict the effect of missense changes on protein structure and function outputs the following: PolyPhen-2: "Benign". The threonine amino acid residue is found in multiple mammalian species, which suggests that this missense change does not adversely affect protein function. In summary, the available evidence is currently insufficient to determine the role of this variant in disease. Therefore, it has been classified as a Variant of Uncertain Significance.